The following is an entry in ClinVar:

ClinVar aggregate classification (germline): Uncertain significance. Review status: criteria provided, multiple submitters, no conflicts (2 of 4 stars). 2 submissions from 2 submitters: Uncertain significance (2). Last evaluated 2025-12-22.

Conditions:
Familial hypocalciuric hypercalcemia (FHH). Also called: Familial benign hypercalcemia. Identifiers: Orphanet 405, MedGen C1809471, MONDO:0018458.
Autosomal dominant hypocalcemia 1 (HYPOC1). Also called: HYPOCALCEMIA, FAMILIAL. Identifiers: MedGen C3715128, MONDO:0011013, OMIM 601198.
Nephrolithiasis/nephrocalcinosis. Identifiers: MedGen CN580796.

Submissions (2):

Labcorp Genetics (formerly Invitae), Labcorp
Classification: Uncertain significance for Familial hypocalciuric hypercalcemia; Autosomal dominant hypocalcemia 1. Last evaluated: 2025-12-22. Review status: criteria provided, single submitter. Criteria: Invitae Variant Classification Sherloc (09022015). Collection method: clinical testing. Allele origin: germline.
Comment: This sequence change replaces lysine, which is basic and polar, with glutamic acid, which is acidic and polar, at codon 1002 of the CASR protein (p.Lys1002Glu). This variant is not present in population databases (gnomAD no frequency). This variant has not been reported in the literature in individuals affected with CASR-related conditions. ClinVar contains an entry for this variant (Variation ID: 1519367). An algorithm developed to predict the effect of missense changes on protein structure and function (PolyPhen-2) suggests that this variant is likely to be tolerated. In summary, the available evidence is currently insufficient to determine the role of this variant in disease. Therefore, it has been classified as a Variant of Uncertain Significance.

Ambry Genetics
Classification: Uncertain significance for Nephrolithiasis/nephrocalcinosis. Last evaluated: 2021-09-27. Review status: criteria provided, single submitter. Criteria: Ambry Variant Classification Scheme 2023. Collection method: clinical testing. Allele origin: germline.
Comment: The p.K1002E variant (also known as c.3004A>G), located in coding exon 6 of the CASR gene, results from an A to G substitution at nucleotide position 3004. The lysine at codon 1002 is replaced by glutamic acid, an amino acid with similar properties. This amino acid position is conserved. In addition, this alteration is predicted to be tolerated by in silico analysis. Since supporting evidence is limited at this time, the clinical significance of this alteration remains unclear.

NM_000388.4(CASR):c.3004A>G (p.Lys1002Glu)

Gene: CASR (calcium sensing receptor; plus strand). Cytogenetic location: 3q21.1.
Variant type: single nucleotide variant.
Coding change: c.3004A>G on transcript NM_000388.4 (MANE Select); coding-DNA position 3004, A replaced by G.
Protein change: p.Lys1002Glu; replaces lysine 1002 with glutamic acid.
Molecular consequence: missense variant.
Genome position (GRCh38, 1-based): chr3:122,284,958, A>G. VCF-style: chr3-122284958-A-G. GRCh37 (hg19) VCF-style: chr3-122003805-A-G.
Other names: c.3034A>G, p.Lys1012Glu (NM_001178065.2); short protein forms K1002E, K1012E.
Identifiers: ClinVar variation 1519367 (VCV001519367.10), dbSNP rs1467916973, ClinGen allele CA354161245.